The following is an entry in ClinVar:

ClinVar aggregate classification (germline): Uncertain significance. Review status: criteria provided, multiple submitters, no conflicts (2 of 4 stars). 2 submissions from 2 submitters: Uncertain significance (2). Last evaluated 2025-08-13.

Conditions:
Inborn genetic diseases. Identifiers: MedGen C0950123, MeSH D030342.
Amyotrophic lateral sclerosis type 21. Also called: VOCAL CORD AND PHARYNGEAL DYSFUNCTION WITH DISTAL MYOPATHY; MYOPATHY, DISTAL, 2. Identifiers: Orphanet 600, Orphanet 803, MedGen C3807521, MONDO:0011632, OMIM 606070.

Allele frequency attached by ClinVar (database versions not stated): ExAC 0.00001; gnomAD exomes 0.00002 and 0.00009; TOPMed 0.00002; gnomAD 0.00003.
gnomAD v4.1: 127 of 1,614,054 alleles (0.0079%); highest among the groups gnomAD compares: Non-Finnish European, 0.01%; no homozygotes.

Submissions (2):

Ambry Genetics
Classification: Uncertain significance for Inborn genetic diseases. Last evaluated: 2025-08-13. Review status: criteria provided, single submitter. Criteria: Ambry Variant Classification Scheme 2023. Collection method: clinical testing. Allele origin: germline.

Labcorp Genetics (formerly Invitae), Labcorp
Classification: Uncertain significance for Amyotrophic lateral sclerosis type 21. Last evaluated: 2025-04-11. Review status: criteria provided, single submitter. Criteria: Invitae Variant Classification Sherloc (09022015). Collection method: clinical testing. Allele origin: germline.
Comment: This sequence change replaces lysine, which is basic and polar, with arginine, which is basic and polar, at codon 712 of the MATR3 protein (p.Lys712Arg). This variant is present in population databases (rs750375963, gnomAD 0.006%). This variant has not been reported in the literature in individuals affected with MATR3-related conditions. ClinVar contains an entry for this variant (Variation ID: 1390229). Invitae Evidence Modeling of protein sequence and biophysical properties (such as structural, functional, and spatial information, amino acid conservation, physicochemical variation, residue mobility, and thermodynamic stability) indicates that this missense variant is not expected to disrupt MATR3 protein function with a negative predictive value of 80%. In summary, the available evidence is currently insufficient to determine the role of this variant in disease. Therefore, it has been classified as a Variant of Uncertain Significance.

NM_018834.6(MATR3):c.2135A>G (p.Lys712Arg)

Genes: MATR3 (matrin 3; plus strand), LOC126807526 (CDK7 strongly-dependent group 2 enhancer GRCh37_chr5:138657767-138658966; plus strand). Cytogenetic location: 5q31.2.
Variant type: single nucleotide variant.
Coding change: c.2135A>G on transcript NM_018834.6 (MANE Select); coding-DNA position 2135, A replaced by G.
Protein change: p.Lys712Arg; replaces lysine 712 with arginine.
Molecular consequence: missense variant.
Genome position (GRCh38, 1-based): chr5:139,322,954, A>G. VCF-style: chr5-139322954-A-G. GRCh37 (hg19) VCF-style: chr5-138658643-A-G.
Other names: c.2135A>G (NM_199189.2); c.2135A>G, p.Lys712Arg (NM_001194954.2, NM_001194955.2, NM_199189.3); c.1271A>G, p.Lys424Arg (NM_001194956.2); c.1121A>G, p.Lys374Arg (NM_001282278.2); short protein forms K712R, K374R, K424R.
Identifiers: ClinVar variation 1390229 (VCV001390229.11), dbSNP rs750375963, ClinGen allele CA3433303.